The following is an entry in ClinVar:

ClinVar aggregate classification (germline): Likely benign. Review status: criteria provided, multiple submitters, no conflicts (2 of 4 stars). 3 submissions from 3 submitters: Likely benign (3). Last evaluated 2026-07-01.

Conditions:
Inborn genetic diseases. Identifiers: MedGen C0950123, MeSH D030342.
Malignant hyperthermia, susceptibility to, 1 (MHS1). Also called: RYR1-Related Malignant Hyperthermia Susceptibility; Malignant hyperthermia suceptibility 1; Anesthesia related hyperthermia; Malignant hyperpyrexia; Fulminating hyperpyrexia; Pharmacogenic myopathy. Identifiers: Orphanet 423, MedGen C2930980, MONDO:0007783, OMIM 145600.
RYR1-related disorder. Also called: RYR1-related disorders; RYR1-related condition. Identifiers: MedGen CN239331.

Allele frequency attached by ClinVar (database versions not stated): ExAC 0.00001; gnomAD exomes 0.00001; gnomAD 0.00003; TOPMed 0.00004.
gnomAD v4.1: 25 of 1,613,956 alleles (0.0015%); highest among the groups gnomAD compares: African/African-American, 0.0053%; no homozygotes.

Submissions (3):

Ambry Genetics
Classification: Likely benign for Inborn genetic diseases. Last evaluated: 2026-07-01. Review status: criteria provided, single submitter. Criteria: Ambry Variant Classification Scheme 2023. Collection method: clinical testing. Allele origin: germline.

Labcorp Genetics (formerly Invitae), Labcorp
Classification: Likely benign for RYR1-related disorder. Last evaluated: 2026-02-03. Review status: criteria provided, single submitter. Criteria: Invitae Variant Classification Sherloc (09022015). Collection method: clinical testing. Allele origin: germline.

All of Us Research Program, National Institutes of Health
Classification: Likely benign for Malignant hyperthermia, susceptibility to, 1. Last evaluated: 2023-09-04. Review status: criteria provided, single submitter. Criteria: ACMG Guidelines, 2015. Collection method: clinical testing. Allele origin: germline. Inheritance: Autosomal dominant inheritance. Observed: 3 variant alleles, 3 heterozygotes.
Comment: This study involves interpretation of variants in research participants for the purpose of population health screening. Participant phenotype was not available at the time of variant classification. Additional details can be found in publication PMID: 35346344, PMCID: PMC8962531

NM_000540.3(RYR1):c.9180C>T (p.Asp3060=)

Gene: RYR1 (ryanodine receptor 1; plus strand). Cytogenetic location: 19q13.2.
Variant type: single nucleotide variant.
Coding change: c.9180C>T on transcript NM_000540.3 (MANE Select); coding-DNA position 9180, C replaced by T.
Protein change: p.Asp3060=; no amino-acid change (aspartic acid 3060 retained).
Molecular consequence: synonymous variant.
Genome position (GRCh38, 1-based): chr19:38,512,079, C>T. VCF-style: chr19-38512079-C-T. GRCh37 (hg19) VCF-style: chr19-39002719-C-T.
Other names: c.9180C>T, p.Asp3060= (NM_001042723.2).
Identifiers: ClinVar variation 696126 (VCV000696126.11), dbSNP rs765552320, ClinGen allele CA073341.